The following is an entry in ClinVar:

ClinVar aggregate classification (germline): Pathogenic (1 of 4 stars; one submission).

Conditions:
Joubert syndrome. Also called: CEREBELLOPARENCHYMAL DISORDER IV; JOUBERT-BOLTSHAUSER SYNDROME; Familial aplasia of the vermis. Identifiers: Orphanet 475, MedGen C5979921, MONDO:0018772.

Submission:

Labcorp Genetics (formerly Invitae), Labcorp
Classification: Pathogenic for Joubert syndrome. Last evaluated: 2023-01-31. Review status: criteria provided, single submitter. Criteria: Invitae Variant Classification Sherloc (09022015). Collection method: clinical testing. Allele origin: germline.
Comment: This variant has not been reported in the literature in individuals affected with AHI1-related conditions. This sequence change creates a premature translational stop signal (p.Gly1037Alafs*2) in the AHI1 gene. It is expected to result in an absent or disrupted protein product. Loss-of-function variants in AHI1 are known to be pathogenic (PMID: 15322546, 16453322, 28442542, 29186038). This variant is not present in population databases (gnomAD no frequency). Algorithms developed to predict the effect of sequence changes on RNA splicing suggest that this variant may disrupt the consensus splice site. For these reasons, this variant has been classified as Pathogenic.

Literature cited by the submitters: PubMed 15322546; PubMed 16453322; PubMed 28442542; PubMed 29186038.

NC_000006.12:g.135358181_135358190del

Gene: AHI1 (Abelson helper integration site 1; minus strand). Cytogenetic location: 6q23.3.
Variant type: Deletion.
Genome position: GRCh38 VCF-style: chr6-135358177-GCTGATAATCC-G. GRCh37 (hg19) VCF-style: chr6-135679315-GCTGATAATCC-G.
Identifiers: ClinVar variation 2125250 (VCV002125250.4), ClinGen allele CA2580075056.